The following is an entry in ClinVar:

NM_001195553.2(DCX):c.-22-387T>G

Gene: DCX (doublecortin; minus strand). Cytogenetic location: Xq23.
Variant type: single nucleotide variant.
Coding change: c.-22-387T>G on transcript NM_001195553.2 (MANE Select); 387 bases into the intron before 22 bases upstream of the start codon, T replaced by G.
Molecular consequence: intron variant. On other transcripts: missense variant (1).
Genome position (GRCh38, 1-based): chrX:111,410,807, A>C on the plus strand (T>G on the coding strand, the complement: DCX is on the minus strand). VCF-style: chrX-111410807-A-C. GRCh37 (hg19) VCF-style: chrX-110654035-A-C.
Other names: c.-22-387T>G (NM_001369371.1, NM_001369370.1, NM_001369373.1 and 5 more transcripts); c.168T>G, p.Asp56Glu (NM_000555.3); short protein forms D56E.
Identifiers: ClinVar variation 1028842 (VCV001028842.1), dbSNP rs1928648928, ClinGen allele CA414247543.

ClinVar aggregate classification (germline): Uncertain significance (1 of 4 stars; one submission).

Conditions:
Lissencephaly type 1 due to doublecortin gene mutation. Also called: LISSENCEPHALY AND AGENESIS OF CORPUS CALLOSUM; LISSENCEPHALY, X-LINKED, 1. Identifiers: Orphanet 2148, MedGen C4551968, MONDO:0010239, OMIM 300067.

gnomAD v4.1: 1 of 1,211,216 alleles (0.000083%); no homozygotes.

Submission:

Baylor Genetics
Classification: Uncertain significance for Lissencephaly type 1 due to doublecortin gene mutation. Last evaluated: 2019-07-16. Review status: criteria provided, single submitter. Criteria: ACMG Guidelines, 2015. Collection method: clinical testing. Allele origin: unknown. Affected: yes.
Comment: This variant was determined to be of uncertain significance according to ACMG Guidelines, 2015 [PMID:25741868].